The following is an entry in ClinVar:

NM_006269.2(RP1):c.4676T>C (p.Met1559Thr)

Gene: RP1 (RP1 axonemal microtubule associated; plus strand). Cytogenetic location: 8q12.1.
Variant type: single nucleotide variant.
Coding change: c.4676T>C on transcript NM_006269.2 (MANE Select); coding-DNA position 4676, T replaced by C.
Protein change: p.Met1559Thr; replaces methionine 1559 with threonine.
Molecular consequence: missense variant. On other transcripts: intron variant (1).
Genome position (GRCh38, 1-based): chr8:54,628,558, T>C. VCF-style: chr8-54628558-T-C. GRCh37 (hg19) VCF-style: chr8-55541118-T-C.
Other names: c.787+6270T>C (NM_001375654.1); c.4676T>C (NM_006269.1); short protein forms M1559T.
Identifiers: ClinVar variation 1484149 (VCV001484149.7), dbSNP rs556815489, ClinGen allele CA177182309.

ClinVar aggregate classification (germline): Uncertain significance. Review status: criteria provided, multiple submitters, no conflicts (2 of 4 stars). 2 submissions from 2 submitters: Uncertain significance (2). Last evaluated 2022-08-13.

Conditions:
Inborn genetic diseases. Identifiers: MedGen C0950123, MeSH D030342.

Allele frequency attached by ClinVar (database versions not stated): gnomAD 0.00003 and 0.00001; TOPMed 0.00003; gnomAD exomes 0.00001.

Submissions (2):

Labcorp Genetics (formerly Invitae), Labcorp
Classification: Uncertain significance. Last evaluated: 2022-08-13. Review status: criteria provided, single submitter. Criteria: Invitae Variant Classification Sherloc (09022015). Collection method: clinical testing. Allele origin: germline.
Comment: In summary, the available evidence is currently insufficient to determine the role of this variant in disease. Therefore, it has been classified as a Variant of Uncertain Significance. Algorithms developed to predict the effect of missense changes on protein structure and function output the following: SIFT: "Tolerated"; PolyPhen-2: "Benign"; Align-GVGD: "Class C0". The threonine amino acid residue is found in multiple mammalian species, which suggests that this missense change does not adversely affect protein function. ClinVar contains an entry for this variant (Variation ID: 1484149). This variant has not been reported in the literature in individuals affected with RP1-related conditions. This variant is not present in population databases (gnomAD no frequency). This sequence change replaces methionine, which is neutral and non-polar, with threonine, which is neutral and polar, at codon 1559 of the RP1 protein (p.Met1559Thr).

Ambry Genetics
Classification: Uncertain significance for Inborn genetic diseases. Last evaluated: 2021-10-06. Review status: criteria provided, single submitter. Criteria: Ambry Variant Classification Scheme 2023. Collection method: clinical testing. Allele origin: germline.